The following is an entry in ClinVar:

ClinVar aggregate classification (germline): Uncertain significance (1 of 4 stars; one submission).

Conditions:
Congenital myasthenic syndrome 4A. Also called: Myasthenic syndrome, congenital, 4a, slow-channel; CONGENITAL MYASTHENIC SYNDROME TYPE Ia1; MYASTHENIC SYNDROME, CONGENITAL, 4A, SLOW-CHANNEL, AUTOSOMAL RECESSIVE. Identifiers: Orphanet 590, MedGen C4225413, MONDO:0011600, OMIM 605809.

Allele frequency attached by ClinVar (database versions not stated): gnomAD 0.00001; gnomAD exomes 0.00002; TOPMed 0.00002; ExAC 0.00007.
gnomAD v4.1: 16 of 1,613,980 alleles (0.00099%); highest among the groups gnomAD compares: Admixed American, 0.027%; no homozygotes.

Submission:

Labcorp Genetics (formerly Invitae), Labcorp
Classification: Uncertain significance for Congenital myasthenic syndrome 4A. Last evaluated: 2024-09-04. Review status: criteria provided, single submitter. Criteria: Invitae Variant Classification Sherloc (09022015). Collection method: clinical testing. Allele origin: germline.
Comment: This sequence change affects codon 63 of the CHRNE mRNA. It is a 'silent' change, meaning that it does not change the encoded amino acid sequence of the CHRNE protein. This variant also falls at the last nucleotide of exon 2, which is part of the consensus splice site for this exon. This variant is present in population databases (rs768469610, gnomAD 0.04%). This variant has not been reported in the literature in individuals affected with CHRNE-related conditions. ClinVar contains an entry for this variant (Variation ID: 1909256). Variants that disrupt the consensus splice site are a relatively common cause of aberrant splicing (PMID: 17576681, 9536098). Algorithms developed to predict the effect of sequence changes on RNA splicing suggest that this variant is not likely to affect RNA splicing. In summary, the available evidence is currently insufficient to determine the role of this variant in disease. Therefore, it has been classified as a Variant of Uncertain Significance.

Literature cited by the submitters: PubMed 17576681; PubMed 9536098.

NM_000080.4(CHRNE):c.189G>A (p.Leu63=)

Genes: C17orf107 (chromosome 17 open reading frame 107; plus strand), CHRNE (cholinergic receptor nicotinic epsilon subunit; minus strand). Cytogenetic location: 17p13.2.
Variant type: single nucleotide variant.
Coding change: c.189G>A on transcript NM_000080.4 (MANE Select); coding-DNA position 189, G replaced by A.
Protein change: p.Leu63=; no amino-acid change (leucine 63 retained).
Molecular consequence: synonymous variant. On other transcripts: 3 prime UTR variant (1).
Genome position (GRCh38, 1-based): chr17:4,902,621, C>T on the plus strand (G>A on the coding strand, the complement: CHRNE is on the minus strand). VCF-style: chr17-4902621-C-T. GRCh37 (hg19) VCF-style: chr17-4805916-C-T.
Other names: c.*2088C>T (NM_001145536.2).
Identifiers: ClinVar variation 1909256 (VCV001909256.3), dbSNP rs768469610, ClinGen allele CA8314587.